The following is an entry in ClinVar:

ClinVar aggregate classification (germline): Uncertain significance. Review status: criteria provided, multiple submitters, no conflicts (2 of 4 stars). 2 submissions from 2 submitters: Uncertain significance (2). Last evaluated 2026-01-02.

Conditions:
Inborn genetic diseases. Identifiers: MedGen C0950123, MeSH D030342.

Allele frequency attached by ClinVar (database versions not stated): gnomAD 0.00001.
gnomAD v4.1: 9 of 1,612,960 alleles (0.00056%); highest among the groups gnomAD compares: Non-Finnish European, 0.00076%; no homozygotes.

Submissions (2):

Labcorp Genetics (formerly Invitae), Labcorp
Classification: Uncertain significance. Last evaluated: 2026-01-02. Review status: criteria provided, single submitter. Criteria: Invitae Variant Classification Sherloc (09022015). Collection method: clinical testing. Allele origin: germline.
Comment: This sequence change replaces glutamic acid, which is acidic and polar, with glutamine, which is neutral and polar, at codon 549 of the CFB protein (p.Glu549Gln). This variant is not present in population databases (gnomAD no frequency). This variant has not been reported in the literature in individuals affected with CFB-related conditions. ClinVar contains an entry for this variant (Variation ID: 1973954). Invitae Evidence Modeling of protein sequence and biophysical properties (such as structural, functional, and spatial information, amino acid conservation, physicochemical variation, residue mobility, and thermodynamic stability) indicates that this missense variant is not expected to disrupt CFB protein function with a negative predictive value of 80%. In summary, the available evidence is currently insufficient to determine the role of this variant in disease. Therefore, it has been classified as a Variant of Uncertain Significance.

Ambry Genetics
Classification: Uncertain significance for Inborn genetic diseases. Last evaluated: 2025-10-30. Review status: criteria provided, single submitter. Criteria: Ambry Variant Classification Scheme 2023. Collection method: clinical testing. Allele origin: germline.

NM_001710.6(CFB):c.1645G>C (p.Glu549Gln)

Gene: CFB (complement factor B; plus strand). Cytogenetic location: 6p21.33.
Variant type: single nucleotide variant.
Coding change: c.1645G>C on transcript NM_001710.6 (MANE Select); coding-DNA position 1645, G replaced by C.
Protein change: p.Glu549Gln; replaces glutamic acid 549 with glutamine.
Molecular consequence: missense variant.
Genome position (GRCh38, 1-based): chr6:31,950,639, G>C. VCF-style: chr6-31950639-G-C. GRCh37 (hg19) VCF-style: chr6-31918416-G-C.
Other names: short protein forms E549Q.
Identifiers: ClinVar variation 1973954 (VCV001973954.6), dbSNP rs990231954, ClinGen allele CA136897685.